The following is an entry in ClinVar:

NM_000102.4(CYP17A1):c.484G>A (p.Gly162Arg)

Gene: CYP17A1 (cytochrome P450 family 17 subfamily A member 1; minus strand). Cytogenetic location: 10q24.32.
Variant type: single nucleotide variant.
Coding change: c.484G>A on transcript NM_000102.4 (MANE Select); coding-DNA position 484, G replaced by A.
Protein change: p.Gly162Arg; replaces glycine 162 with arginine.
Molecular consequence: missense variant.
Genome position (GRCh38, 1-based): chr10:102,834,967, C>T on the plus strand (G>A on the coding strand, the complement: CYP17A1 is on the minus strand). VCF-style: chr10-102834967-C-T. GRCh37 (hg19) VCF-style: chr10-104594724-C-T.
Other names: short protein forms G162R.
Identifiers: ClinVar variation 3063869 (VCV003063869.1), dbSNP rs141821705, ClinGen allele CA5669545.
Genomic context (GRCh38, chr10:102,834,967, plus strand): 5'-TCAAGGAGATGACATTGGTTACCGCCACGAAGACAGGAAAGGAGATGTCTATGGACTGTC[C>T]GTTGTGGGTGGCCAGCATATCACACAATGTACTGATTTCCTGACAAACTGAAGGGAGAGG-3'
Protein context (NP_000093.1, residues 152-172): TLCDMLATHN[Gly162Arg]QSIDISFPVF

ClinVar aggregate classification (germline): Uncertain significance (1 of 4 stars; one submission).

Allele frequency attached by ClinVar (database versions not stated): gnomAD 0.00001; gnomAD exomes 0.00001; ExAC 0.00002; TOPMed 0.00005; ESP Exome Variant Server 0.00008.
gnomAD v4.1: 14 of 1,611,704 alleles (0.00087%); highest among the groups gnomAD compares: East Asian, 0.0045%; no homozygotes.

Submission:

Women's Health and Genetics/Laboratory Corporation of America, LabCorp
Classification: Uncertain significance. Last evaluated: 2024-01-12. Review status: criteria provided, single submitter. Criteria: LabCorp Variant Classification Summary - May 2015. Collection method: clinical testing. Allele origin: germline.
Comment: Variant summary: CYP17A1 c.484G>A (p.Gly162Arg) results in a non-conservative amino acid change in the encoded protein sequence. Four of five in-silico tools predict a benign effect of the variant on protein function. The variant allele was found at a frequency of 1.6e-05 in 250634 control chromosomes (gnomAD). To our knowledge, no occurrence of c.484G>A in individuals affected with Congenital Adrenal Hyperplasia has been reported. At least one publication reports experimental evidence evaluating an impact on protein function, finding that the variant resulted in a 70% reduction in protein abundance (Capper_2018). The following publication has been ascertained in the context of this evaluation (PMID: 29229304). No submitters have cited clinical-significance assessments for this variant to ClinVar. Based on the evidence outlined above, the variant was classified as VUS-possibly pathogenic.

Literature cited by the submitters: PubMed 29229304.